The following is an entry in ClinVar:

ClinVar aggregate classification (germline): Uncertain significance (1 of 4 stars; one submission).

Submission:

GeneDx
Classification: Uncertain significance. Last evaluated: 2025-07-17. Review status: criteria provided, single submitter. Criteria: GeneDx Variant Classification Process June 2021. Collection method: clinical testing. Allele origin: germline. Affected: yes.
Comment: Not observed at significant frequency in large population cohorts (gnomAD); In silico analysis supports that this missense variant has a deleterious effect on protein structure/function; Has not been previously published as pathogenic or benign to our knowledge

NM_001130438.3(SPTAN1):c.3772A>C (p.Thr1258Pro)

Gene: SPTAN1 (spectrin alpha, non-erythrocytic 1; plus strand). Cytogenetic location: 9q34.11.
Variant type: single nucleotide variant.
Coding change: c.3772A>C on transcript NM_001130438.3 (MANE Select); coding-DNA position 3772, A replaced by C.
Protein change: p.Thr1258Pro; replaces threonine 1258 with proline.
Molecular consequence: missense variant.
Genome position (GRCh38, 1-based): chr9:128,605,086, A>C. VCF-style: chr9-128605086-A-C. GRCh37 (hg19) VCF-style: chr9-131367365-A-C.
Other names: c.3712A>C, p.Thr1238Pro (NM_001195532.2, NM_001363765.2, NM_001375314.2 and 3 more transcripts); c.3772A>C, p.Thr1258Pro (NM_001363759.2, NM_001375310.1, NM_001375311.2 and 4 more transcripts); c.3808A>C, p.Thr1270Pro (NM_001375312.2, NM_001375318.1, NM_001438440.1); short protein forms T1238P, T1258P, T1270P.
Identifiers: ClinVar variation 4686317 (VCV004686317.1).